The following is an entry in ClinVar:

ClinVar aggregate classification (germline): Uncertain significance. Review status: criteria provided, multiple submitters, no conflicts (2 of 4 stars). 2 submissions from 2 submitters: Uncertain significance (2). Last evaluated 2024-09-11.

Allele frequency attached by ClinVar (database versions not stated): TOPMed below 0.00001; gnomAD exomes 0.00001.
gnomAD v4.1: 11 of 1,614,114 alleles (0.00068%); highest among the groups gnomAD compares: Admixed American, 0.0017%; no homozygotes.

Submissions (2):

Blueprint Genetics
Classification: Uncertain significance. Last evaluated: 2024-09-11. Review status: criteria provided, single submitter. Criteria: ACMG Guidelines, 2015. Collection method: clinical testing. Allele origin: germline.

Labcorp Genetics (formerly Invitae), Labcorp
Classification: Uncertain significance. Last evaluated: 2023-08-17. Review status: criteria provided, single submitter. Criteria: Invitae Variant Classification Sherloc (09022015). Collection method: clinical testing. Allele origin: germline.
Comment: ClinVar contains an entry for this variant (Variation ID: 1413183). This sequence change replaces glutamic acid, which is acidic and polar, with lysine, which is basic and polar, at codon 58 of the RIPK1 protein (p.Glu58Lys). This variant is present in population databases (no rsID available, gnomAD 0.003%). This variant has not been reported in the literature in individuals affected with RIPK1-related conditions. An algorithm developed to predict the effect of missense changes on protein structure and function (PolyPhen-2) suggests that this variant is likely to be disruptive. In summary, the available evidence is currently insufficient to determine the role of this variant in disease. Therefore, it has been classified as a Variant of Uncertain Significance.

NM_001354930.2(RIPK1):c.172G>A (p.Glu58Lys)

Gene: RIPK1 (receptor interacting serine/threonine kinase 1; plus strand). Cytogenetic location: 6p25.2.
Variant type: single nucleotide variant.
Coding change: c.172G>A on transcript NM_001354930.2 (MANE Select); coding-DNA position 172, G replaced by A.
Protein change: p.Glu58Lys; replaces glutamic acid 58 with lysine.
Molecular consequence: missense variant. On other transcripts: 5 prime UTR variant (4).
Genome position (GRCh38, 1-based): chr6:3,077,786, G>A. VCF-style: chr6-3077786-G-A. GRCh37 (hg19) VCF-style: chr6-3078020-G-A.
Other names: c.-432G>A (NM_001317061.3, NM_001354932.2, NM_001354933.2 and 1 more transcripts); c.172G>A, p.Glu58Lys (NM_001354931.2, NM_003804.6); short protein forms E58K.
Identifiers: ClinVar variation 1413183 (VCV001413183.7), dbSNP rs1035876906, ClinGen allele CA133471109.